The following is an entry in ClinVar:

ClinVar aggregate classification (germline): Uncertain significance (1 of 4 stars; one submission).

gnomAD v4.1: 5 of 1,608,714 alleles (0.00031%); highest among the groups gnomAD compares: Non-Finnish European, 0.00017%; no homozygotes.

Submission:

Ambry Genetics
Classification: Uncertain significance. Last evaluated: 2025-01-05. Review status: criteria provided, single submitter. Criteria: Ambry Variant Classification Scheme 2023. Collection method: clinical testing. Allele origin: germline.
Comment: The p.D67G variant (also known as c.200A>G), located in coding exon 2 of the GEN1 gene, results from an A to G substitution at nucleotide position 200. The aspartic acid at codon 67 is replaced by glycine, an amino acid with similar properties. This amino acid position is conserved. In addition, this alteration is predicted to be tolerated by in silico analysis. Based on the available evidence, the clinical significance of this variant remains unclear.

NM_001130009.3(GEN1):c.200A>G (p.Asp67Gly)

Gene: GEN1 (GEN1 Holliday junction 5' flap endonuclease; plus strand). Cytogenetic location: 2p24.2.
Variant type: single nucleotide variant.
Coding change: c.200A>G on transcript NM_001130009.3 (MANE Select); coding-DNA position 200, A replaced by G.
Protein change: p.Asp67Gly; replaces aspartic acid 67 with glycine.
Molecular consequence: missense variant.
Genome position (GRCh38, 1-based): chr2:17,761,434, A>G. VCF-style: chr2-17761434-A-G. GRCh37 (hg19) VCF-style: chr2-17942701-A-G.
Other names: c.200A>G, p.Asp67Gly (NM_182625.5); short protein forms D67G.
Identifiers: ClinVar variation 3853485 (VCV003853485.1).